The following is an entry in ClinVar:

NM_000038.6(APC):c.8256_8257insTGGGGAAATTTT (p.Asn2752_Glu2753insTrpGlyAsnPhe)

Gene: APC (APC regulator of Wnt signaling pathway; plus strand). Cytogenetic location: 5q22.2.
Variant type: Insertion.
Coding change: c.8256_8257insTGGGGAAATTTT on transcript NM_000038.6 (MANE Select); coding-DNA positions 8256 to 8257, TGGGGAAATTTT inserted.
Protein change: p.Asn2752_Glu2753insTrpGlyAsnPhe.
Molecular consequence: inframe insertion.
Genome position: GRCh38 VCF-style: chr5-112843849-A-ATTGGGGAAATTT. GRCh37 (hg19) VCF-style: chr5-112179546-A-ATTGGGGAAATTT.
Other names: c.8256_8257insTGGGGAAATTTT, p.Asn2752_Glu2753insTrpGlyAsnPhe (NM_001127510.3, NM_001354895.2); c.8202_8203insTGGGGAAATTTT, p.Asn2734_Glu2735insTrpGlyAsnPhe (NM_001127511.3); c.8310_8311insTGGGGAAATTTT, p.Asn2770_Glu2771insTrpGlyAsnPhe (NM_001354896.2); c.8286_8287insTGGGGAAATTTT, p.Asn2762_Glu2763insTrpGlyAsnPhe (NM_001354897.2); c.8181_8182insTGGGGAAATTTT, p.Asn2727_Glu2728insTrpGlyAsnPhe (NM_001354898.2); c.8172_8173insTGGGGAAATTTT, p.Asn2724_Glu2725insTrpGlyAsnPhe (NM_001354899.2); c.8133_8134insTGGGGAAATTTT, p.Asn2711_Glu2712insTrpGlyAsnPhe (NM_001354900.2); c.8079_8080insTGGGGAAATTTT, p.Asn2693_Glu2694insTrpGlyAsnPhe (NM_001354901.2); and 5 more.
Identifiers: ClinVar variation 428109 (VCV000428109.13), dbSNP rs1554089019, ClinGen allele CA645369386.
Genomic context (GRCh38, chr5:112,843,849, plus strand): 5'-ACCAAAAAGGAACTGAGATAAAACCAGGACAAAATAATCCTGTCCCTGTATCAGAGACTA[A>ATTGGGGAAATTT]TGAAAGTTCTATAGTGGAACGTACCCCATTCAGTTCTAGCAGCTCAAGCAAACACAGTTC-3'

ClinVar aggregate classification (germline): Uncertain significance. Review status: criteria provided, multiple submitters, no conflicts (2 of 4 stars). 2 submissions from 2 submitters: Uncertain significance (2). Last evaluated 2018-09-12.

Conditions:
Hereditary cancer-predisposing syndrome. Also called: Hereditary Cancer Syndrome; Neoplastic Syndromes, Hereditary; Hereditary neoplastic syndrome; Tumor predisposition. Identifiers: Orphanet 140162, MedGen C0027672, MeSH D009386, MONDO:0015356.
Familial adenomatous polyposis 1 (FAP1). Also called: FAMILIAL ADENOMATOUS POLYPOSIS 1, ATTENUATED; POLYPOSIS, ADENOMATOUS INTESTINAL. Identifiers: MedGen C2713442, MONDO:0021056, OMIM 175100. Disease mechanism: loss of function.

Submissions (2):

Labcorp Genetics (formerly Invitae), Labcorp
Classification: Uncertain significance for Familial adenomatous polyposis 1. Last evaluated: 2018-09-12. Review status: criteria provided, single submitter. Criteria: Invitae Variant Classification Sherloc (09022015). Collection method: clinical testing. Allele origin: germline.
Comment: In summary, the available evidence is currently insufficient to determine the role of this variant in disease. Therefore, it has been classified as a Variant of Uncertain Significance. Experimental studies and prediction algorithms are not available for this variant, and the functional significance of the affected amino acid(s) is currently unknown. This variant has not been reported in the literature in individuals with APC-related disease. ClinVar contains an entry for this variant (Variation ID: 428109). This variant is not present in population databases (ExAC no frequency). This variant, c.8256_8257insTGGGGAAATTTT, results in the insertion of 4 amino acid(s) to the APC protein (p.Asn2752_Glu2753insTrpGlyAsnPhe), but otherwise preserves the integrity of the reading frame.

Ambry Genetics
Classification: Uncertain significance for Hereditary cancer-predisposing syndrome. Last evaluated: 2014-03-27. Review status: criteria provided, single submitter. Criteria: Ambry Autosomal Dominant and X-Linked criteria (10/2015). Collection method: clinical testing. Allele origin: germline. Observed: 1 variant allele.
Comment: Ã¢â‚¬â€¹The c.8256_8257ins12 variant is located in coding exon 15 of the APC gene. This variant results from an in-frame insertion of 12 nucleotides between positions c.8256 and c.8257. This results in the insertion of glutamate-serine-serine-isoleucine residues between codons 2753 and 2754. This variant was not reported in population-based cohorts in the following databases: Database of Single Nucleotide Polymorphisms (dbSNP), NHLBI Exome Sequencing Project (ESP) and 1000 Genomes Project. To date, this alteration has been detected with an allele frequency of approximately 0.01% (greater than 9500 alleles tested) in our clinical cohort (includes this individual). Since supporting evidence is limited at this time, the clinical significance of c.8256_8257ins12 remains unclear.